The following is an entry in ClinVar:

ClinVar aggregate classification (germline): Pathogenic (1 of 4 stars; one submission).

Conditions:
Autosomal recessive limb-girdle muscular dystrophy type 2E (LGMDR4). Also called: MUSCULAR DYSTROPHY, LIMB-GIRDLE, AUTOSOMAL RECESSIVE 4. Identifiers: Orphanet 119, MedGen C1858593, MONDO:0011423, OMIM 604286. Disease mechanism: Affects gamma-sarcoglycan and also disrupts the integrity of the entire sarcoglycan complex..

Submission:

Labcorp Genetics (formerly Invitae), Labcorp
Classification: Pathogenic for Autosomal recessive limb-girdle muscular dystrophy type 2E. Last evaluated: 2017-02-11. Review status: criteria provided, single submitter. Criteria: Invitae Variant Classification Sherloc (09022015). Collection method: clinical testing. Allele origin: germline.
Comment: This variant is a gross deletion of the genomic region encompassing exon 1 of the SGCB gene, which includes the initiator codon. The 5' end of this event is unknown as it extends beyond the assayed region for this gene and therefore may encompass additional genes. The 3' boundary is likely confined to intron 1 of the SGCB gene. This is expected to result in an absent or disrupted protein product. While this particular deletion has not been reported in the literature, loss-of-function variants in SGCB are known to be pathogenic (PMID: 18285821). For these reasons, this variant has been classified as Pathogenic.

NC_000004.12:g.(?_52038207)_(52038279_?)del

Genes: SGCB (sarcoglycan beta; minus strand), LOC129992585 (ATAC-STARR-seq lymphoblastoid silent region 15421; plus strand). Cytogenetic location: 4q12.
Variant type: Deletion.
Identifiers: ClinVar variation 466600 (VCV000466600.1).